The following is an entry in ClinVar:

ClinVar aggregate classification (germline): Benign. Review status: criteria provided, single submitter (1 of 4 stars). 3 submissions from 3 submitters: Benign (1). 2 of the submissions do not count toward it. Last evaluated 2025-11-17.

Conditions:
PEX1-related disorder. Also called: PEX1-related condition.
Zellweger spectrum disorders (ZS). Also called: Zellweger Spectrum Disorder (ZSD); Zellweger syndrome; Zellweger Spectrum Disorder; Zellweger Spectrum. Identifiers: Orphanet 912, MedGen C0043459, MONDO:0019609.

Allele frequency attached by ClinVar (database versions not stated): TOPMed below 0.00001; gnomAD exomes 0.00007 and 0.00019; 1000 Genomes Project 30x 0.00016; gnomAD 0.00019 and 0.00021; 1000 Genomes Project 0.00020; ExAC 0.00022.
gnomAD v4.1: 132 of 1,583,570 alleles (0.0083%); highest among the groups gnomAD compares: Non-Finnish European, 0.00061%; no homozygotes.

Submissions (3):

Labcorp Genetics (formerly Invitae), Labcorp
Classification: Benign for Zellweger spectrum disorders. Last evaluated: 2025-11-17. Review status: criteria provided, single submitter. Criteria: Invitae Variant Classification Sherloc (09022015). Collection method: clinical testing. Allele origin: germline.

PreventionGenetics, part of Exact Sciences
Classification: Likely benign for PEX1-related condition. Last evaluated: 2023-10-20. Review status: no assertion criteria provided. Collection method: clinical testing. Allele origin: germline. Not counted in ClinVar's aggregate classification.
Comment: This variant is classified as likely benign based on ACMG/AMP sequence variant interpretation guidelines (Richards et al. 2015 PMID: 25741868, with internal and published modifications).

Natera, Inc.
Classification: Likely benign for Zellweger syndrome. Last evaluated: 2021-07-29. Review status: no assertion criteria provided. Collection method: clinical testing. Allele origin: germline. Not counted in ClinVar's aggregate classification.

NM_000466.3(PEX1):c.1268A>G (p.Asn423Ser)

Gene: PEX1 (peroxisomal biogenesis factor 1; minus strand). Cytogenetic location: 7q21.2.
Variant type: single nucleotide variant.
Coding change: c.1268A>G on transcript NM_000466.3 (MANE Select); coding-DNA position 1268, A replaced by G.
Protein change: p.Asn423Ser; replaces asparagine 423 with serine.
Molecular consequence: missense variant.
Genome position (GRCh38, 1-based): chr7:92,513,939, T>C on the plus strand (A>G on the coding strand, the complement: PEX1 is on the minus strand). VCF-style: chr7-92513939-T-C. GRCh37 (hg19) VCF-style: chr7-92143253-T-C.
Other names: c.1268A>G, p.Asn423Ser (NM_001282677.2); c.644A>G, p.Asn215Ser (NM_001282678.2); short protein forms N423S, N215S.
Identifiers: ClinVar variation 766340 (VCV000766340.17), dbSNP rs200857848, ClinGen allele CA4341449.
Genomic context (GRCh38, chr7:92,513,939, plus strand): 5'-CTTGGAATTTTAGGGGTAACTTCCACTGGAGTTATCCTGACTACGGCATGCATTTCTATA[T>C]TTAGTCTCTTCCTCAGGTCATCTGGAATCTGAAATTTAAAAATAAACAAAAATATAAATA-3'
Protein context (NP_000457.1, residues 413-433): WIPDDLRKRL[Asn423Ser]IEMHAVVRIT